The following is an entry in ClinVar:

ClinVar aggregate classification (germline): Likely pathogenic (1 of 4 stars; one submission).

Submission:

Labcorp Genetics (formerly Invitae), Labcorp
Classification: Likely pathogenic. Last evaluated: 2023-11-13. Review status: criteria provided, single submitter. Criteria: Invitae Variant Classification Sherloc (09022015). Collection method: clinical testing. Allele origin: germline.
Comment: This sequence change affects a donor splice site in intron 70 of the LRP2 gene. It is expected to disrupt RNA splicing. Variants that disrupt the donor or acceptor splice site typically lead to a loss of protein function (PMID: 16199547), and loss-of-function variants in LRP2 are known to be pathogenic (PMID: 17632512, 25682901). This variant is not present in population databases (gnomAD no frequency). This variant has not been reported in the literature in individuals affected with LRP2-related conditions. Algorithms developed to predict the effect of sequence changes on RNA splicing suggest that this variant may disrupt the consensus splice site. In summary, the currently available evidence indicates that the variant is pathogenic, but additional data are needed to prove that conclusively. Therefore, this variant has been classified as Likely Pathogenic.

Literature cited by the submitters: PubMed 16199547; PubMed 17632512; PubMed 25682901.

NM_004525.3(LRP2):c.12988+1G>A

Gene: LRP2 (LDL receptor related protein 2; minus strand). Cytogenetic location: 2q31.1.
Variant type: single nucleotide variant.
Coding change: c.12988+1G>A on transcript NM_004525.3 (MANE Select); the canonical splice donor site of the intron after coding-DNA position 12988, G replaced by A.
Molecular consequence: splice donor variant.
Genome position (GRCh38, 1-based): chr2:169,145,746, C>T on the plus strand (G>A on the coding strand, the complement: LRP2 is on the minus strand). VCF-style: chr2-169145746-C-T. GRCh37 (hg19) VCF-style: chr2-170002256-C-T.
Identifiers: ClinVar variation 2771196 (VCV002771196.3), dbSNP rs2545660610, ClinGen allele CA349126753.
Genomic context (GRCh38, chr2:169,145,746, plus strand): 5'-ATTATTTTGAAATAAGATTTCCAAGTAATGAGGAGCATCTTATACCAAAGTTGGTGATTA[C>T]CTGACTTATTGTATCTGAGTTGATGAAAGATTCGAACTTGAGTGAGCCAAGGGTTCACTA-3'